The following is an entry in ClinVar:

NM_003954.5(MAP3K14):c.2288C>G (p.Ala763Gly)

Genes: MAP3K14-AS1 (MAP3K14 antisense RNA 1; plus strand), MAP3K14 (mitogen-activated protein kinase kinase kinase 14; minus strand), LOC126862575 (CDK7 strongly-dependent group 2 enhancer GRCh37_chr17:43344006-43345205; plus strand). Cytogenetic location: 17q21.31.
Variant type: single nucleotide variant.
Coding change: c.2288C>G on transcript NM_003954.5 (MANE Select); coding-DNA position 2288, C replaced by G.
Protein change: p.Ala763Gly; replaces alanine 763 with glycine.
Molecular consequence: missense variant.
Genome position (GRCh38, 1-based): chr17:45,267,444, G>C on the plus strand (C>G on the coding strand, the complement: MAP3K14 is on the minus strand). VCF-style: chr17-45267444-G-C. GRCh37 (hg19) VCF-style: chr17-43344811-G-C.
Other names: short protein forms A763G.
Identifiers: ClinVar variation 2201003 (VCV002201003.4), dbSNP rs2044099070, ClinGen allele CA399874827.

ClinVar aggregate classification (germline): Uncertain significance (1 of 4 stars; one submission).

Conditions:
NIK deficiency. Also called: Primary immunodeficiency with multifaceted aberrant lymphoid immunity. Identifiers: Orphanet 447731, MedGen C5680065, MONDO:0018642.

Allele frequency attached by ClinVar (database versions not stated): TOPMed below 0.00001.

Submission:

Labcorp Genetics (formerly Invitae), Labcorp
Classification: Uncertain significance for NIK deficiency. Last evaluated: 2022-05-14. Review status: criteria provided, single submitter. Criteria: Invitae Variant Classification Sherloc (09022015). Collection method: clinical testing. Allele origin: germline.
Comment: This sequence change replaces alanine, which is neutral and non-polar, with glycine, which is neutral and non-polar, at codon 763 of the MAP3K14 protein (p.Ala763Gly). In summary, the available evidence is currently insufficient to determine the role of this variant in disease. Therefore, it has been classified as a Variant of Uncertain Significance. Experimental studies and prediction algorithms are not available or were not evaluated, and the functional significance of this variant is currently unknown. This variant has not been reported in the literature in individuals affected with MAP3K14-related conditions. This variant is not present in population databases (gnomAD no frequency).